The following is an entry in ClinVar:

ClinVar aggregate classification (germline): Uncertain significance (1 of 4 stars; one submission).

Submission:

GeneDx
Classification: Uncertain significance. Last evaluated: 2024-09-05. Review status: criteria provided, single submitter. Criteria: GeneDx Variant Classification Process June 2021. Collection method: clinical testing. Allele origin: germline. Affected: yes.
Comment: Not observed at significant frequency in large population cohorts (gnomAD); In silico analysis supports that this missense variant has a deleterious effect on protein structure/function; Has not been previously published as pathogenic or benign to our knowledge

NM_001378414.1(HDAC4):c.1580C>A (p.Pro527Gln)

Gene: HDAC4 (histone deacetylase 4; minus strand). Cytogenetic location: 2q37.3.
Variant type: single nucleotide variant.
Coding change: c.1580C>A on transcript NM_001378414.1 (MANE Select); coding-DNA position 1580, C replaced by A.
Protein change: p.Pro527Gln; replaces proline 527 with glutamine.
Molecular consequence: missense variant.
Genome position (GRCh38, 1-based): chr2:239,115,264, G>T on the plus strand (C>A on the coding strand, the complement: HDAC4 is on the minus strand). VCF-style: chr2-239115264-G-T. GRCh37 (hg19) VCF-style: chr2-240036960-G-T.
Other names: c.1580C>A, p.Pro527Gln (NM_001378415.1); c.1565C>A, p.Pro522Gln (NM_001378416.1, NM_001378417.1, NM_006037.4); short protein forms P522Q, P527Q.
Identifiers: ClinVar variation 3767425 (VCV003767425.1).